The following is an entry in ClinVar:

ClinVar aggregate classification (germline): Likely pathogenic (1 of 4 stars; one submission).

Submission:

GeneDx
Classification: Likely pathogenic. Last evaluated: 2017-11-10. Review status: criteria provided, single submitter. Criteria: GeneDx Variant Classification (06012015). Collection method: clinical testing. Allele origin: germline. Affected: yes.
Comment: The c.778_782delTATGGinsGGGA variant in the CNTNAP2 gene has not been reported previously as a pathogenic variant nor as a benign variant, to our knowledge. The c.778_782delTATGGinsGGGA variant causes a frameshift starting with codon Tyrosine 260, changes this amino acid to a Glycine residue, and creates a premature Stop codon at position 6 of the new reading frame, denoted p.Tyr260GlyfsX6. This variant is predicted to cause loss of normal protein function either through protein truncation or nonsense-mediated mRNA decay. The c.778_782delTATGGinsGGGA variant is not observed in large population cohorts (Lek et al., 2016). We interpret c.778_782delTATGGinsGGGA as a likely pathogenic variant.

NM_014141.6(CNTNAP2):c.778_782delinsGGGA (p.Tyr260fs)

Gene: CNTNAP2 (contactin associated protein 2; plus strand). Cytogenetic location: 7q35.
Variant type: Indel.
Coding change: c.778_782delinsGGGA on transcript NM_014141.6 (MANE Select); coding-DNA positions 778 to 782, TATGG replaced by GGGA.
Protein change: p.Tyr260fs; shifts the reading frame from tyrosine 260.
Molecular consequence: frameshift variant.
Genome position (GRCh38, 1-based): chr7:147,121,002-147,121,006, TATGG replaced by GGGA. VCF-style: chr7-147121002-TATGG-GGGA. GRCh37 (hg19) VCF-style: chr7-146818094-TATGG-GGGA.
Other names: short protein forms Y260fs.
Identifiers: ClinVar variation 503822 (VCV000503822.2), dbSNP rs1554440668, ClinGen allele CA658797023.